The following is an entry in ClinVar:

ClinVar aggregate classification (germline): Uncertain significance. Review status: criteria provided, multiple submitters, no conflicts (2 of 4 stars). 2 submissions from 2 submitters: Uncertain significance (2). Last evaluated 2023-05-23.

Allele frequency attached by ClinVar (database versions not stated): gnomAD 0.00002; TOPMed 0.00002.
gnomAD v4.1: 8 of 1,613,890 alleles (0.0005%); highest among the groups gnomAD compares: African/African-American, 0.0013%; no homozygotes.

Submissions (2):

Labcorp Genetics (formerly Invitae), Labcorp
Classification: Uncertain significance. Last evaluated: 2023-05-23. Review status: criteria provided, single submitter. Criteria: Invitae Variant Classification Sherloc (09022015). Collection method: clinical testing. Allele origin: germline.
Comment: In summary, the available evidence is currently insufficient to determine the role of this variant in disease. Therefore, it has been classified as a Variant of Uncertain Significance. An algorithm developed to predict the effect of missense changes on protein structure and function (PolyPhen-2) suggests that this variant is likely to be disruptive. ClinVar contains an entry for this variant (Variation ID: 2338346). This variant has not been reported in the literature in individuals affected with IL23R-related conditions. This variant is present in population databases (no rsID available, gnomAD 0.002%). This sequence change replaces tyrosine, which is neutral and polar, with aspartic acid, which is acidic and polar, at codon 476 of the IL23R protein (p.Tyr476Asp).

Ambry Genetics
Classification: Uncertain significance. Last evaluated: 2022-12-21. Review status: criteria provided, single submitter. Criteria: Ambry Variant Classification Scheme 2023. Collection method: clinical testing. Allele origin: germline.

NM_144701.3(IL23R):c.1426T>G (p.Tyr476Asp)

Gene: IL23R (interleukin 23 receptor; plus strand). Cytogenetic location: 1p31.3.
Variant type: single nucleotide variant.
Coding change: c.1426T>G on transcript NM_144701.3 (MANE Select); coding-DNA position 1426, T replaced by G.
Protein change: p.Tyr476Asp; replaces tyrosine 476 with aspartic acid.
Molecular consequence: missense variant.
Genome position (GRCh38, 1-based): chr1:67,258,664, T>G. VCF-style: chr1-67258664-T-G. GRCh37 (hg19) VCF-style: chr1-67724347-T-G.
Other names: short protein forms Y476D.
Identifiers: ClinVar variation 2338346 (VCV002338346.5), dbSNP rs921734212, ClinGen allele CA23506184.